The following is an entry in ClinVar:

NM_000430.4(PAFAH1B1):c.347dup (p.His117fs)

Gene: PAFAH1B1 (platelet activating factor acetylhydrolase 1b regulatory subunit 1; plus strand). Cytogenetic location: 17p13.3.
Variant type: Duplication.
Coding change: c.347dup on transcript NM_000430.4 (MANE Select); coding-DNA position 347, one base duplicated (T; older notation c.347dupT).
Protein change: p.His117fs; shifts the reading frame from histidine 117.
Molecular consequence: frameshift variant.
Genome position (GRCh38, 1-based): chr17:2,667,146, T duplicated; the last of 4 consecutive T bases (chr17:2,667,143-2,667,146); duplicating any one gives the same sequence. VCF-style (leftmost placement, unchanged base first): chr17-2667142-A-AT. GRCh37 (hg19) VCF-style: chr17-2570436-A-AT.
Other names: short protein forms H117fs.
Identifiers: ClinVar variation 211823 (VCV000211823.7), dbSNP rs797045859, ClinGen allele CA277002.

ClinVar aggregate classification (germline): Pathogenic. Review status: criteria provided, multiple submitters, no conflicts (2 of 4 stars). 2 submissions from 2 submitters: Pathogenic (2). Last evaluated 2024-04-11.

Conditions:
Lissencephaly due to LIS1 mutation (LIS1). Also called: Isolated Lissencephaly Sequence; PAFAH1B1-Associated Lissencephaly/Subcortical Band Heterotopia; PAFAH1B1-Related Lissencephaly/Subcortical Band Heterotopia. Identifiers: Orphanet 95232, MedGen C4749301, MONDO:0011830, OMIM 607432.

Submissions (2):

GeneDx
Classification: Pathogenic. Last evaluated: 2024-04-11. Review status: criteria provided, single submitter. Criteria: GeneDx Variant Classification Process June 2021. Collection method: clinical testing. Allele origin: germline. Affected: yes.
Comment: Frameshift variant predicted to result in protein truncation or nonsense mediated decay in a gene for which loss of function is a known mechanism of disease; Not observed at significant frequency in large population cohorts (gnomAD); Has not been previously published as pathogenic or benign to our knowledge; This variant is associated with the following publications: (PMID: 36100855)

Genetic Services Laboratory, University of Chicago
Classification: Pathogenic for Lissencephaly 1. Last evaluated: 2013-05-01. Review status: criteria provided, single submitter. Criteria: ACMG Guidelines, 2007. Collection method: clinical testing. Allele origin: germline. Affected: yes.